The following is an entry in ClinVar:

NM_002016.2(FLG):c.2652T>A (p.Arg884=)

Genes: CCDST (cervical cancer associated DHX9 suppressive transcript; plus strand), FLG (filaggrin; minus strand). Cytogenetic location: 1q21.3.
Variant type: single nucleotide variant.
Coding change: c.2652T>A on transcript NM_002016.2 (MANE Select); coding-DNA position 2652, T replaced by A.
Protein change: p.Arg884=; no amino-acid change (arginine 884 retained).
Molecular consequence: synonymous variant.
Genome position (GRCh38, 1-based): chr1:152,312,234, A>T on the plus strand (T>A on the coding strand, the complement: FLG is on the minus strand). VCF-style: chr1-152312234-A-T. GRCh37 (hg19) VCF-style: chr1-152284710-A-T.
Identifiers: ClinVar variation 2639310 (VCV002639310.24), dbSNP rs774296367, ClinGen allele CA1107061.
Genomic context (GRCh38, chr1:152,312,234, plus strand): 5'-GTCTCTTGATTGTTCCTCATTACGTGTTGTTCTGCTTGCACTTCTGGATCCTGACTGCCC[A>T]CGGGAGGCATCAGACCTTCCCTGGGATGTGGTGTGGCTGTGATGGGACCCTGAGTGTCCA-3'
Protein context (NP_002007.1, residues 874-894): TTSQGRSDAS[Arg884=]GQSGSRSASR

ClinVar aggregate classification (germline): Likely benign (1 of 4 stars; one submission).

Allele frequency attached by ClinVar (database versions not stated): ExAC 0.00001; gnomAD 0.00001; TOPMed 0.00001.
gnomAD v4.1: 1 of 1,613,628 alleles (0.000062%); highest among the groups gnomAD compares: African/African-American, 0.0013%; no homozygotes.

Submission:

CeGaT Center for Human Genetics Tuebingen
Classification: Likely benign. Last evaluated: 2022-04-01. Review status: criteria provided, single submitter. Criteria: CeGaT Center For Human Genetics Tuebingen Variant Classification Criteria Version 2. Collection method: clinical testing. Allele origin: germline. Affected: yes. Observed: 1 variant allele.
Comment: FLG: BP4, BP7